The following is an entry in ClinVar:

ClinVar aggregate classification (germline): Benign (1 of 4 stars; one submission).

Conditions:
Lethal polymalformative syndrome, Boissel type. Also called: GROWTH RETARDATION, DEVELOPMENTAL DELAY, AND FACIAL DYSMORPHISM. Identifiers: Orphanet 210144, MedGen C2752001, MONDO:0013050, OMIM 612938.

Allele frequency attached by ClinVar (database versions not stated): gnomAD 0.02217 and 0.02428; TOPMed 0.02267.

Submission:

Illumina Laboratory Services, Illumina
Classification: Benign for Lethal polymalformative syndrome, Boissel type. Last evaluated: 2018-01-13. Review status: criteria provided, single submitter. Criteria: ICSL Variant Classification Criteria 13 December 2019. Collection method: clinical testing. Allele origin: germline.
Comment: This variant was observed in the ICSL laboratory as part of a predisposition screen in an ostensibly healthy population. It had not been previously curated by ICSL or reported in the Human Gene Mutation Database (HGMD: prior to June 1st, 2018), and was therefore a candidate for classification through an automated scoring system. Utilizing variant allele frequency, disease prevalence and penetrance estimates, and inheritance mode, an automated score was calculated to assess if this variant is too frequent to cause the disease. Based on the score and internal cut-off values, a variant classified as benign is not then subjected to further curation. The score for this variant resulted in a classification of benign for this disease.

NM_001080432.3(FTO):c.*2301G>A

Gene: FTO (FTO alpha-ketoglutarate dependent dioxygenase; plus strand). Cytogenetic location: 16q12.2.
Variant type: single nucleotide variant.
Coding change: c.*2301G>A on transcript NM_001080432.3 (MANE Select); 2301 bases downstream of the stop codon, G replaced by A.
Molecular consequence: 3 prime UTR variant.
Genome position (GRCh38, 1-based): chr16:54,114,216, G>A. VCF-style: chr16-54114216-G-A. GRCh37 (hg19) VCF-style: chr16-54148128-G-A.
Other names: c.*2301G>A (NM_001363891.2, NM_001363894.2, NM_001363896.2 and 6 more transcripts); c.*2419G>A (NM_001363903.2); c.*2477G>A (NM_001363988.2).
Identifiers: ClinVar variation 319732 (VCV000319732.5), dbSNP rs79234192, ClinGen allele CA10647736.